The following is an entry in ClinVar:

ClinVar aggregate classification (germline): Uncertain significance. Review status: criteria provided, multiple submitters, no conflicts (2 of 4 stars). 2 submissions from 2 submitters: Uncertain significance (2). Last evaluated 2025-01-20.

Conditions:
Glycogen storage disease IV, classic hepatic. Also called: GSD IV, CLASSIC HEPATIC. Identifiers: MedGen C1856301.
Glycogen storage disease, type IV (GSD4). Also called: Glycogen storage disease due to glycogen branching enzyme deficiency; AMYLOPECTINOSIS; ANDERSEN DISEASE; BRANCHER DEFICIENCY; CIRRHOSIS, FAMILIAL, WITH DEPOSITION OF ABNORMAL GLYCOGEN; GBE1 DEFICIENCY. Identifiers: Orphanet 367, MedGen C0017923, MONDO:0009292, OMIM 232500.
Inborn genetic diseases. Identifiers: MedGen C0950123, MeSH D030342.

Allele frequency attached by ClinVar (database versions not stated): ExAC 0.00003; TOPMed 0.00003; gnomAD 0.00007; gnomAD exomes 0.00008; ESP Exome Variant Server 0.00016.
gnomAD v4.1: 125 of 1,609,186 alleles (0.0078%); highest among the groups gnomAD compares: Non-Finnish European, 0.01%; no homozygotes.

Submissions (2):

Ambry Genetics
Classification: Uncertain significance for Inborn genetic diseases. Last evaluated: 2025-01-20. Review status: criteria provided, single submitter. Criteria: Ambry Variant Classification Scheme 2023. Collection method: clinical testing. Allele origin: germline.

Labcorp Genetics (formerly Invitae), Labcorp
Classification: Uncertain significance for Glycogen storage disease, type IV; Glycogen storage disease IV, classic hepatic. Last evaluated: 2022-07-01. Review status: criteria provided, single submitter. Criteria: Invitae Variant Classification Sherloc (09022015). Collection method: clinical testing. Allele origin: germline.
Comment: This sequence change replaces lysine, which is basic and polar, with asparagine, which is neutral and polar, at codon 521 of the GBE1 protein (p.Lys521Asn). This variant is present in population databases (rs199604848, gnomAD 0.01%). This variant has not been reported in the literature in individuals affected with GBE1-related conditions. Advanced modeling of protein sequence and biophysical properties (such as structural, functional, and spatial information, amino acid conservation, physicochemical variation, residue mobility, and thermodynamic stability) performed at Invitae indicates that this missense variant is expected to disrupt GBE1 protein function. In summary, the available evidence is currently insufficient to determine the role of this variant in disease. Therefore, it has been classified as a Variant of Uncertain Significance.

NM_000158.4(GBE1):c.1563A>C (p.Lys521Asn)

Gene: GBE1 (1,4-alpha-glucan branching enzyme 1; minus strand). Cytogenetic location: 3p12.2.
Variant type: single nucleotide variant.
Coding change: c.1563A>C on transcript NM_000158.4 (MANE Select); coding-DNA position 1563, A replaced by C.
Protein change: p.Lys521Asn; replaces lysine 521 with asparagine.
Molecular consequence: missense variant.
Genome position (GRCh38, 1-based): chr3:81,577,980, T>G on the plus strand (A>C on the coding strand, the complement: GBE1 is on the minus strand). VCF-style: chr3-81577980-T-G. GRCh37 (hg19) VCF-style: chr3-81627131-T-G.
Other names: c.1563A>C (NM_000158.3); short protein forms K521N.
Identifiers: ClinVar variation 2140893 (VCV002140893.3), dbSNP rs199604848, ClinGen allele CA2499626.